The following is an entry in ClinVar:

NM_002691.4(POLD1):c.2007-15C>T

Gene: POLD1 (DNA polymerase delta 1, catalytic subunit; plus strand). Cytogenetic location: 19q13.33.
Variant type: single nucleotide variant.
Coding change: c.2007-15C>T on transcript NM_002691.4 (MANE Select); 15 bases into the intron before coding-DNA position 2007, C replaced by T.
Molecular consequence: intron variant.
Genome position (GRCh38, 1-based): chr19:50,409,504, C>T. VCF-style: chr19-50409504-C-T. GRCh37 (hg19) VCF-style: chr19-50912761-C-T.
Other names: c.2085-15C>T (LRG_785t2, NM_001308632.1); c.2007-15C>T (LRG_785t1, NM_001256849.1).
Identifiers: ClinVar variation 380643 (VCV000380643.11), dbSNP rs769431445, ClinGen allele CA9596366.

ClinVar aggregate classification (germline): Likely benign. Review status: criteria provided, multiple submitters, no conflicts (2 of 4 stars). 5 submissions from 5 submitters: Likely benign (4). 1 of the submissions does not count toward it. Last evaluated 2026-01-13.

Conditions:
POLD1-related polyposis and colorectal cancer syndrome (CRCS10). Also called: Colorectal cancer, susceptibility to, 10; Colorectal cancer 10; COLORECTAL CANCER, SUSCEPTIBILITY TO, ON CHROMOSOME 19q. Identifiers: Orphanet 220460, MedGen C2675481, MONDO:0012953, OMIM 612591.

Allele frequency attached by ClinVar (database versions not stated): gnomAD 0.00001; TOPMed 0.00002; ExAC 0.00003; gnomAD exomes 0.00003.
gnomAD v4.1: 39 of 1,613,386 alleles (0.0024%); highest among the groups gnomAD compares: Admixed American, 0.0083%; no homozygotes.

Submissions (5):

Labcorp Genetics (formerly Invitae), Labcorp
Classification: Likely benign for POLD1-related polyposis and colorectal cancer syndrome. Last evaluated: 2026-01-13. Review status: criteria provided, single submitter. Criteria: Invitae Variant Classification Sherloc (09022015). Collection method: clinical testing. Allele origin: germline.

Center for Genomic Medicine, Rigshospitalet, Copenhagen University Hospital
Classification: Likely benign. Last evaluated: 2025-12-29. Review status: criteria provided, single submitter. Criteria: ACMG Guidelines, 2015. Collection method: clinical testing. Allele origin: germline.

Blueprint Genetics
Classification: Likely benign. Last evaluated: 2022-06-21. Review status: criteria provided, single submitter. Criteria: ACMG Guidelines, 2015. Collection method: clinical testing. Allele origin: germline.

GeneDx
Classification: Likely benign. Last evaluated: 2016-03-22. Review status: criteria provided, single submitter. Criteria: GeneDx Variant Classification (06012015). Collection method: clinical testing. Allele origin: germline. Affected: yes.
Comment: This variant is considered likely benign or benign based on one or more of the following criteria: it is a conservative change, it occurs at a poorly conserved position in the protein, it is predicted to be benign by multiple in silico algorithms, and/or has population frequency not consistent with disease.

Counsyl
Classification: Likely benign for POLD1-related polyposis and colorectal cancer syndrome. Last evaluated: 2017-01-09. Review status: no assertion criteria provided. Collection method: clinical testing. Allele origin: unknown. Not counted in ClinVar's aggregate classification.